The following is an entry in ClinVar:

ClinVar aggregate classification (germline): Uncertain significance (1 of 4 stars; one submission).

Submission:

Labcorp Genetics (formerly Invitae), Labcorp
Classification: Uncertain significance. Last evaluated: 2022-11-28. Review status: criteria provided, single submitter. Criteria: Invitae Variant Classification Sherloc (09022015). Collection method: clinical testing. Allele origin: germline.
Comment: Algorithms developed to predict the effect of sequence changes on RNA splicing suggest that this variant may disrupt the consensus splice site. In summary, the available evidence is currently insufficient to determine the role of this variant in disease. Therefore, it has been classified as a Variant of Uncertain Significance. This sequence change falls in intron 11 of the ABCA4 gene. It does not directly change the encoded amino acid sequence of the ABCA4 protein. This variant is not present in population databases (gnomAD no frequency). This variant has been observed in individual(s) with clinical features of Stargardt disease (Invitae).

NM_000350.3(ABCA4):c.1555-15T>A

Gene: ABCA4 (ATP binding cassette subfamily A member 4; minus strand). Cytogenetic location: 1p22.1.
Variant type: single nucleotide variant.
Coding change: c.1555-15T>A on transcript NM_000350.3 (MANE Select); 15 bases into the intron before coding-DNA position 1555, T replaced by A.
Molecular consequence: intron variant.
Genome position (GRCh38, 1-based): chr1:94,063,332, A>T on the plus strand (T>A on the coding strand, the complement: ABCA4 is on the minus strand). VCF-style: chr1-94063332-A-T. GRCh37 (hg19) VCF-style: chr1-94528888-A-T.
Identifiers: ClinVar variation 2817118 (VCV002817118.3), dbSNP rs925986780, ClinGen allele CA2739272729.
Genomic context (GRCh38, chr1:94,063,332, plus strand): 5'-GCTGAGTTTCATCATTGTAGCTTTCAAACTTATCCAGGACCAAGCACTGCAGAGAGTCAC[A>T]AAGTTGAGAGAGTGTGAGGAGGACCAACTGCAAAGACTCAACTCTACACACAGAAAGTCA-3'